The following is an entry in ClinVar:

NM_000540.3(RYR1):c.2880G>A (p.Met960Ile)

Gene: RYR1 (ryanodine receptor 1; plus strand). Cytogenetic location: 19q13.2.
Variant type: single nucleotide variant.
Coding change: c.2880G>A on transcript NM_000540.3 (MANE Select); coding-DNA position 2880, G replaced by A.
Protein change: p.Met960Ile; replaces methionine 960 with isoleucine.
Molecular consequence: missense variant.
Genome position (GRCh38, 1-based): chr19:38,466,100, G>A. VCF-style: chr19-38466100-G-A. GRCh37 (hg19) VCF-style: chr19-38956740-G-A.
Other names: c.2880G>A, p.Met960Ile (NM_001042723.2); short protein forms M960I.
Identifiers: ClinVar variation 3387674 (VCV003387674.1).

ClinVar aggregate classification (germline): Uncertain significance (1 of 4 stars; one submission).

Conditions:
Malignant hyperthermia, susceptibility to, 1 (MHS1). Also called: Anesthesia related hyperthermia; Malignant hyperpyrexia; Fulminating hyperpyrexia; Pharmacogenic myopathy; RYR1-Related Malignant Hyperthermia Susceptibility; Malignant hyperthermia suceptibility 1. Identifiers: Orphanet 423, MedGen C2930980, MONDO:0007783, OMIM 145600.

Submission:

All of Us Research Program, National Institutes of Health
Classification: Uncertain significance for Malignant hyperthermia, susceptibility to, 1. Last evaluated: 2024-07-29. Review status: criteria provided, single submitter. Criteria: ACMG Guidelines, 2015. Collection method: clinical testing. Allele origin: germline. Inheritance: Autosomal dominant inheritance. Observed: 1 variant allele, 1 heterozygote.
Comment: This missense variant replaces methionine with isoleucine at codon 960 of the RYR1 protein. Computational prediction is inconclusive regarding the impact of this variant on protein structure and function (internally defined REVEL score threshold 0.5 < inconclusive < 0.7, PMID: 27666373). To our knowledge, functional studies have not been reported for this variant. This variant has not been reported in individuals affected with RYR1-related disorders in the literature. This variant has not been identified in the general population by the Genome Aggregation Database (gnomAD). The available evidence is insufficient to determine the role of this variant in disease conclusively. Therefore, this variant is classified as a Variant of Uncertain Significance.

This study involves interpretation of variants in research participants for the purpose of population health screening. Participant phenotype was not available at the time of variant classification. Additional details can be found in publication PMID: 35346344, PMCID: PMC8962531